The following is an entry in ClinVar:

ClinVar aggregate classification (germline): Uncertain significance (1 of 4 stars; one submission).

Conditions:
Hyperkalemic periodic paralysis. Also called: Familial hyperkalemic periodic paralysis; Gamstorp disease. Identifiers: Orphanet 682, MedGen C0238357, MONDO:0008224, OMIM 170500, HP:0007215.

Submission:

Labcorp Genetics (formerly Invitae), Labcorp
Classification: Uncertain significance for Hyperkalemic periodic paralysis. Last evaluated: 2025-12-02. Review status: criteria provided, single submitter. Criteria: Invitae Variant Classification Sherloc (09022015). Collection method: clinical testing. Allele origin: germline.
Comment: This sequence change replaces lysine, which is basic and polar, with glutamic acid, which is acidic and polar, at codon 175 of the SCN4A protein (p.Lys175Glu). This variant is not present in population databases (gnomAD no frequency). This variant has not been reported in the literature in individuals affected with SCN4A-related conditions. Invitae Evidence Modeling of protein sequence and biophysical properties (such as structural, functional, and spatial information, amino acid conservation, physicochemical variation, residue mobility, and thermodynamic stability) indicates that this missense variant is expected to disrupt SCN4A protein function with a positive predictive value of 95%. Experimental studies are conflicting or provide insufficient evidence to determine the effect of this variant on SCN4A function (PMID: 23589580). In summary, the available evidence is currently insufficient to determine the role of this variant in disease. Therefore, it has been classified as a Variant of Uncertain Significance.

Literature cited by the submitters: PubMed 23589580.

NM_000334.4(SCN4A):c.523A>G (p.Lys175Glu)

Gene: SCN4A (sodium voltage-gated channel alpha subunit 4; minus strand). Cytogenetic location: 17q23.3.
Variant type: single nucleotide variant.
Coding change: c.523A>G on transcript NM_000334.4 (MANE Select); coding-DNA position 523, A replaced by G.
Protein change: p.Lys175Glu; replaces lysine 175 with glutamic acid.
Molecular consequence: missense variant.
Genome position (GRCh38, 1-based): chr17:63,971,810, T>C on the plus strand (A>G on the coding strand, the complement: SCN4A is on the minus strand). VCF-style: chr17-63971810-T-C. GRCh37 (hg19) VCF-style: chr17-62049170-T-C.
Other names: short protein forms K175E.
Identifiers: ClinVar variation 4739918 (VCV004739918.1).